The following is an entry in ClinVar:

NM_001252102.2(KIF21B):c.127G>A (p.Gly43Arg)

Gene: KIF21B (kinesin family member 21B; minus strand). Cytogenetic location: 1q32.1.
Variant type: single nucleotide variant.
Coding change: c.127G>A on transcript NM_001252102.2 (MANE Select); coding-DNA position 127, G replaced by A.
Protein change: p.Gly43Arg; replaces glycine 43 with arginine.
Molecular consequence: missense variant.
Genome position (GRCh38, 1-based): chr1:201,009,403, C>T on the plus strand (G>A on the coding strand, the complement: KIF21B is on the minus strand). VCF-style: chr1-201009403-C-T. GRCh37 (hg19) VCF-style: chr1-200978531-C-T.
Other names: c.127G>A, p.Gly43Arg (NM_001252100.2, NM_001252103.2, NM_017596.4); short protein forms G43R.
Identifiers: ClinVar variation 2574384 (VCV002574384.1), dbSNP rs2465248608, ClinGen allele CA344120353.

ClinVar aggregate classification (germline): Uncertain significance (1 of 4 stars; one submission).

Submission:

GeneDx
Classification: Uncertain significance. Last evaluated: 2023-01-25. Review status: criteria provided, single submitter. Criteria: GeneDx Variant Classification Process June 2021. Collection method: clinical testing. Allele origin: germline. Affected: yes.
Comment: Not observed at significant frequency in large population cohorts (gnomAD); In silico analysis supports that this missense variant has a deleterious effect on protein structure/function; Has not been previously published as pathogenic or benign to our knowledge